The following is an entry in ClinVar:

NM_152703.5(SAMD9L):c.4736A>G (p.Tyr1579Cys)

Gene: SAMD9L (sterile alpha motif domain containing 9 like; minus strand). Cytogenetic location: 7q21.2.
Variant type: single nucleotide variant.
Coding change: c.4736A>G on transcript NM_152703.5 (MANE Select); coding-DNA position 4736, A replaced by G.
Protein change: p.Tyr1579Cys; replaces tyrosine 1579 with cysteine.
Molecular consequence: missense variant.
Genome position (GRCh38, 1-based): chr7:93,131,236, T>C on the plus strand (A>G on the coding strand, the complement: SAMD9L is on the minus strand). VCF-style: chr7-93131236-T-C. GRCh37 (hg19) VCF-style: chr7-92760549-T-C.
Other names: c.4736A>G, p.Tyr1579Cys (NM_001303496.3, NM_001303497.3, NM_001303498.3 and 5 more transcripts); short protein forms Y1579C.
Identifiers: ClinVar variation 2443255 (VCV002443255.2), dbSNP rs2535400301, ClinGen allele CA368169665.

ClinVar aggregate classification (germline): Uncertain significance (0 of 4 stars; one submission).

Submission:

Genetic Services Laboratory, University of Chicago
Classification: Uncertain significance. Last evaluated: 2022-09-05. Review status: no assertion criteria provided. Collection method: clinical testing. Allele origin: germline. Affected: no.
Comment: DNA sequence analysis of the SAMD9L gene demonstrated a sequence change, c.4736A>G, in exon 5 that results in an amino acid change, p.Tyr1579Cys. This sequence change does not appear to have been previously described in individuals with SAMD9L-related disorders and has also not been described in population databases such as ExAC and gnomAD. The p.Tyr1579Cys change affects a highly conserved amino acid residue located in a domain of the SAMD9L protein that is not known to be functional. In-silico pathogenicity prediction tools (SIFT, PolyPhen2, Align GVGD, REVEL) provide contradictory results for the p.Tyr1579Cys substitution. Due to insufficient evidences and the lack of functional studies, the clinical significance of the p.Tyr1579Cys change remains unknown at this time